The following is an entry in ClinVar:

NM_000492.4(CFTR):c.2619+86_2619+87del

Gene: CFTR (CF transmembrane conductance regulator; plus strand). Cytogenetic location: 7q31.2.
Variant type: Deletion.
Coding change: c.2619+86_2619+87del on transcript NM_000492.4 (MANE Select); bases 86 to 87 of the intron after coding-DNA position 2619, 2 bases deleted (TA; older notation c.2619+86_2619+87delTA).
Molecular consequence: intron variant.
Genome position (GRCh38, 1-based): chr7:117,595,144-117,595,145, TA deleted; deleting any 2 consecutive bases within chr7:117,595,143-117,595,145 gives the same sequence; the c. name uses the placement nearest the transcript's 3' end. VCF-style (leftmost placement, unchanged base first): chr7-117595142-CAT-C. GRCh37 (hg19) VCF-style: chr7-117235196-CAT-C.
Identifiers: ClinVar variation 818087 (VCV000818087.2), dbSNP rs4148712, ClinGen allele CA164950122.

ClinVar aggregate classification (germline): Benign. Review status: criteria provided, multiple submitters, no conflicts (2 of 4 stars). 2 submissions from 2 submitters: Benign (2). Last evaluated 2018-07-20.

Conditions:
Cystic fibrosis (CF). Also called: MUCOVISCIDOSIS. Identifiers: Orphanet 586, MedGen C0010674, MONDO:0009061, OMIM 219700. Disease mechanism: loss of function.

Submissions (2):

GeneDx
Classification: Benign. Last evaluated: 2018-07-20. Review status: criteria provided, single submitter. Criteria: GeneDx Variant Classification Process June 2021. Collection method: clinical testing. Allele origin: germline. Affected: yes.

CFTR-France
Classification: Benign for cystic fibrosis. Last evaluated: 2018-01-09. Review status: criteria provided, single submitter. Criteria: Claustres M et al. (Hum Mutat 2017). Collection method: curation. Allele origin: germline. Affected: yes and no.
Comment: the variant does not result in CFTR-RD neither